The following is an entry in ClinVar:

NM_001382391.1(CSPP1):c.2829-3T>C

Gene: CSPP1 (centrosome and spindle pole associated protein 1; plus strand). Cytogenetic location: 8q13.2.
Variant type: single nucleotide variant.
Coding change: c.2829-3T>C on transcript NM_001382391.1 (MANE Select); 3 bases into the intron before coding-DNA position 2829, T replaced by C.
Molecular consequence: intron variant.
Genome position (GRCh38, 1-based): chr8:67,172,413, T>C. VCF-style: chr8-67172413-T-C. GRCh37 (hg19) VCF-style: chr8-68084648-T-C.
Other names: c.2634-3T>C (NM_001363132.2); c.2748-3T>C (NM_001363131.2); c.2553-3T>C (NM_001363133.2); c.2895-3T>C (NM_001364869.1); c.2814-3T>C (NM_024790.7, NM_001438331.1); c.2661-3T>C (NM_001438330.1); c.2715-3T>C (NM_001364870.1); c.2130-3T>C (NM_001438332.1); and 1 more.
Identifiers: ClinVar variation 1387129 (VCV001387129.6), dbSNP rs1830657246, ClinGen allele CA1114878145.

ClinVar aggregate classification (germline): Uncertain significance (1 of 4 stars; one submission).

Conditions:
Joubert syndrome 21 (JBTS21). Identifiers: MedGen C3810212, MONDO:0014288, OMIM 615636.

Allele frequency attached by ClinVar (database versions not stated): TOPMed below 0.00001; gnomAD 0.00001; gnomAD exomes below 0.00001.
gnomAD v4.1: 3 of 1,608,864 alleles (0.00019%); highest among the groups gnomAD compares: African/African-American, 0.0027%; no homozygotes.

Submission:

Labcorp Genetics (formerly Invitae), Labcorp
Classification: Uncertain significance for Joubert syndrome 21. Last evaluated: 2022-04-05. Review status: criteria provided, single submitter. Criteria: Invitae Variant Classification Sherloc (09022015). Collection method: clinical testing. Allele origin: germline.
Comment: Variants that disrupt the consensus splice site are a relatively common cause of aberrant splicing (PMID: 17576681, 9536098). Algorithms developed to predict the effect of sequence changes on RNA splicing suggest that this variant is not likely to affect RNA splicing. In summary, the available evidence is currently insufficient to determine the role of this variant in disease. Therefore, it has been classified as a Variant of Uncertain Significance. This variant has not been reported in the literature in individuals affected with CSPP1-related conditions. This variant is not present in population databases (gnomAD no frequency). This sequence change falls in intron 22 of the CSPP1 gene. It does not directly change the encoded amino acid sequence of the CSPP1 protein. It affects a nucleotide within the consensus splice site.

Literature cited by the submitters: PubMed 17576681; PubMed 9536098.